The following is an entry in ClinVar:

NM_001776.6(ENTPD1):c.1109T>A (p.Leu370Ter)

Genes: ENTPD1 (ectonucleoside triphosphate diphosphohydrolase 1; plus strand), ENTPD1-AS1 (ENTPD1 antisense RNA 1; minus strand). Cytogenetic location: 10q24.1.
Variant type: single nucleotide variant.
Coding change: c.1109T>A on transcript NM_001776.6 (MANE Select); coding-DNA position 1109, T replaced by A.
Protein change: p.Leu370Ter; replaces leucine 370 with a stop codon.
Molecular consequence: nonsense.
Genome position (GRCh38, 1-based): chr10:95,860,503, T>A. VCF-style: chr10-95860503-T-A. GRCh37 (hg19) VCF-style: chr10-97620260-T-A.
Other names: c.1130T>A, p.Leu377Ter (NM_001098175.2); c.1145T>A, p.Leu382Ter (NM_001164178.1, NM_001320916.1); c.986T>A, p.Leu329Ter (NM_001164179.2); c.785T>A, p.Leu262Ter (NM_001164181.1, NM_001312654.1); c.695T>A, p.Leu232Ter (NM_001164182.2, NM_001164183.2); short protein forms L370*, L232*, L262*, L329*, L377*, L382*.
Identifiers: ClinVar variation 2443792 (VCV002443792.3), dbSNP rs1309641888, ClinGen allele CA377824171.

ClinVar aggregate classification (germline): Pathogenic. Review status: criteria provided, multiple submitters, no conflicts (2 of 4 stars). 3 submissions from 3 submitters: Pathogenic (2). 1 of the submissions does not count toward it. Last evaluated 2023-06-18.

Conditions:
Hereditary spastic paraplegia 64. Also called: ENTPD1-Related Neurodevelopmental Disorder; Spastic paraplegia 64, autosomal recessive. Identifiers: Orphanet 401810, MedGen C3810289, MONDO:0014303, OMIM 615683.

Allele frequency attached by ClinVar (database versions not stated): gnomAD 0.00001; TOPMed 0.00001.
gnomAD v4.1: 2 of 1,613,802 alleles (0.00012%); highest among the groups gnomAD compares: Non-Finnish European, 0.00017%; no homozygotes.

Submissions (3):

Genetics Laboratory, Department of Biology, Semnan University
Classification: Pathogenic for Hereditary spastic paraplegia 64. Last evaluated: 2023-06-18. Review status: criteria provided, single submitter. Criteria: ACMG Guidelines, 2015. Collection method: research. Allele origin: germline. Inheritance: Autosomal recessive inheritance. Affected: yes. Observed: 1 variant allele, 1 homozygote.
Comment: The identified variant leads to the substitution of leucin codon 370 with stop codon in the ENTPD1 gene mRNA. Hence, this substitution could alter the amino acid sequence and could leads to a decreased function or loss of function of mutated protein. The WES was performed for about 100 million reads, using the Illumina Hiseq2000 sequencer platform and Agilent SureSelect Human All Exon V7 kit (Agilent, Santa Clara, USA). Data filtering was first performed based on frequency and then according to intronic, upstream, downstream, 3'-UTR, 5'-UTR, intergenic and other non-coding variants. At final step, synonymous mutations were also fltered. In general, test platform examined more than 95% of the targeted regions with sensitivity of > 99%. The results of WES were analyzed by bioinformatics tools BWA aligner, GATK, and Annovar and public databases ClinVar, gnomAD, Kaviar, and GME. In addition, ACMG (American College of Medical Genetics) guidelines and local population database with more than 7000 unrelated individuals were utilized. As control, 300 healthy individuals with the same ethnicity as the studied patient were also screened for the mutation found. Online bioinformatics tools MutationTaster, SIFT, and CADD_phred software were used to predict the pathogenic effects of the mutation.

Genetic Foundation of Khorasan Razavi (GFKR)
Classification: Pathogenic for Hereditary spastic paraplegia 64. Review status: criteria provided, single submitter. Criteria: ACMG Guidelines, 2015. Collection method: clinical testing. Allele origin: inherited. Affected: yes.
Comment: This stop-gain variant (p.Leu370* ) is expected to result in nonsense-mediated decay or a severely truncated protein. Loss of function is a well-established disease mechanism for this gene, supporting pathogenicity. The variant is very rare in population databases, consistent with the rarity expected for a pathogenic allele. It has been submitted to ClinVar(VCV002443792.1). Taken together, these findings support a pathogenic classification according to ACMG/AMP guidelines.*

OMIM
Classification: Pathogenic for SPASTIC PARAPLEGIA 64, AUTOSOMAL RECESSIVE. Last evaluated: 2023-01-24. Review status: no assertion criteria provided. Collection method: literature only. Allele origin: germline. Not counted in ClinVar's aggregate classification.

Literature cited by the submitters: DOI 10.1002/ana.26381 (cited by Genetics Laboratory, Department of Biology, Semnan University and Genetic Foundation of Khorasan Razavi (GFKR)); PubMed 35471564 (cited by OMIM).